The following is an entry in ClinVar:

ClinVar aggregate classification (germline): Uncertain significance. Review status: criteria provided, multiple submitters, no conflicts (2 of 4 stars). 3 submissions from 3 submitters: Uncertain significance (3). Last evaluated 2026-07-01.

Conditions:
Inborn genetic diseases. Identifiers: MedGen C0950123, MeSH D030342.
Klippel-Feil syndrome 1, autosomal dominant (KFS1). Also called: CERVICAL VERTEBRAL FUSION, AUTOSOMAL DOMINANT. Identifiers: Orphanet 2345, MedGen C1861689, MONDO:0007306, OMIM 118100.
Isolated microphthalmia 4. Identifiers: Orphanet 2542, MedGen C2751307, MONDO:0013130, OMIM 613094.
Microphthalmia, isolated, with coloboma 6 (MCOPCB6). Also called: Microphthalmia with coloboma 6, digenic; Microphthalmia with coloboma 6; MICROPHTHALMIA/COLOBOMA 6. Identifiers: Orphanet 98938, MedGen C3150968, MONDO:0013376, OMIM 613703.
Leber congenital amaurosis 17 (LCA17). Identifiers: Orphanet 65, MedGen C3715164, MONDO:0014145, OMIM 615360.

Submissions (3):

CeGaT Center for Human Genetics Tuebingen
Classification: Uncertain significance. Last evaluated: 2026-07-01. Review status: criteria provided, single submitter. Criteria: CeGaT Center For Human Genetics Tuebingen Variant Classification Criteria Version 2. Collection method: clinical testing. Allele origin: germline. Affected: yes. Observed: 1 variant allele.
Comment: GDF6: PM2, PM5:Supporting

Labcorp Genetics (formerly Invitae), Labcorp
Classification: Uncertain significance for Isolated microphthalmia 4; Leber congenital amaurosis 17; Klippel-Feil syndrome 1, autosomal dominant; Microphthalmia, isolated, with coloboma 6. Last evaluated: 2025-05-21. Review status: criteria provided, single submitter. Criteria: Invitae Variant Classification Sherloc (09022015). Collection method: clinical testing. Allele origin: germline.
Comment: This sequence change replaces alanine, which is neutral and non-polar, with valine, which is neutral and non-polar, at codon 199 of the GDF6 protein (p.Ala199Val). The frequency data for this variant in the population databases is considered unreliable, as metrics indicate poor data quality at this position in the gnomAD database. This variant has not been reported in the literature in individuals affected with GDF6-related conditions. Invitae Evidence Modeling of protein sequence and biophysical properties (such as structural, functional, and spatial information, amino acid conservation, physicochemical variation, residue mobility, and thermodynamic stability) indicates that this missense variant is not expected to disrupt GDF6 protein function with a negative predictive value of 80%. In summary, the available evidence is currently insufficient to determine the role of this variant in disease. Therefore, it has been classified as a Variant of Uncertain Significance.

Ambry Genetics
Classification: Uncertain significance for Inborn genetic diseases. Last evaluated: 2025-03-26. Review status: criteria provided, single submitter. Criteria: Ambry Variant Classification Scheme 2023. Collection method: clinical testing. Allele origin: germline.

NM_001001557.4(GDF6):c.596C>T (p.Ala199Val)

Gene: GDF6 (growth differentiation factor 6; minus strand). Cytogenetic location: 8q22.1.
Variant type: single nucleotide variant.
Coding change: c.596C>T on transcript NM_001001557.4 (MANE Select); coding-DNA position 596, C replaced by T.
Protein change: p.Ala199Val; replaces alanine 199 with valine.
Molecular consequence: missense variant.
Genome position (GRCh38, 1-based): chr8:96,145,335, G>A on the plus strand (C>T on the coding strand, the complement: GDF6 is on the minus strand). VCF-style: chr8-96145335-G-A. GRCh37 (hg19) VCF-style: chr8-97157563-G-A.
Other names: short protein forms A199V.
Identifiers: ClinVar variation 4028997 (VCV004028997.3).